The following is an entry in ClinVar:

ClinVar aggregate classification (germline): Uncertain significance. Review status: criteria provided, multiple submitters, no conflicts (2 of 4 stars). 4 submissions from 4 submitters: Uncertain significance (3). 1 of the submissions does not count toward it. Last evaluated 2025-07-17.

Conditions:
Tuberous sclerosis 2 (TSC2). Identifiers: Orphanet 805, MedGen C1860707, MONDO:0013199, OMIM 613254.
Hereditary cancer-predisposing syndrome. Also called: Neoplastic Syndromes, Hereditary; Hereditary neoplastic syndrome; Hereditary Cancer Syndrome; Tumor predisposition. Identifiers: Orphanet 140162, MedGen C0027672, MeSH D009386, MONDO:0015356.
Tuberous sclerosis syndrome (TSC). Also called: Tuberous Sclerosis Complex; Tuberous sclerosis. Identifiers: Orphanet 805, MedGen C0041341, MONDO:0001734.

Submissions (4):

Color Diagnostics, LLC DBA Color Health
Classification: Uncertain significance for Tuberous sclerosis syndrome. Last evaluated: 2025-07-17. Review status: criteria provided, single submitter. Criteria: ACMG Guidelines, 2015. Collection method: clinical testing. Allele origin: germline.
Comment: This missense variant replaces proline with leucine at codon 1046 of the TSC2 protein. Computational prediction suggests that this variant may have deleterious impact on protein structure and function. To our knowledge, functional studies have not been reported for this variant. This variant has not been reported in individuals affected with TSC2-related disorders in the literature. This variant has not been identified in the general population by the Genome Aggregation Database (gnomAD). The available evidence is insufficient to determine the role of this variant in disease conclusively. Therefore, this variant is classified as a Variant of Uncertain Significance.

Ambry Genetics
Classification: Uncertain significance for Hereditary cancer-predisposing syndrome. Last evaluated: 2023-10-27. Review status: criteria provided, single submitter. Criteria: Ambry Variant Classification Scheme 2023. Collection method: clinical testing. Allele origin: germline.
Comment: The p.P1046L variant (also known as c.3137C>T), located in coding exon 27 of the TSC2 gene, results from a C to T substitution at nucleotide position 3137. The proline at codon 1046 is replaced by leucine, an amino acid with similar properties. This amino acid position is conserved. In addition, this alteration is predicted to be deleterious by in silico analysis. Since supporting evidence is limited at this time, the clinical significance of this alteration remains unclear.

Labcorp Genetics (formerly Invitae), Labcorp
Classification: Uncertain significance for Tuberous sclerosis 2. Last evaluated: 2023-10-16. Review status: criteria provided, single submitter. Criteria: Invitae Variant Classification Sherloc (09022015). Collection method: clinical testing. Allele origin: germline.
Comment: This sequence change replaces proline, which is neutral and non-polar, with leucine, which is neutral and non-polar, at codon 1046 of the TSC2 protein (p.Pro1046Leu). This variant is not present in population databases (gnomAD no frequency). This variant has not been reported in the literature in individuals affected with TSC2-related conditions. ClinVar contains an entry for this variant (Variation ID: 591058). Advanced modeling of protein sequence and biophysical properties (such as structural, functional, and spatial information, amino acid conservation, physicochemical variation, residue mobility, and thermodynamic stability) performed at Invitae indicates that this missense variant is not expected to disrupt TSC2 protein function. In summary, the available evidence is currently insufficient to determine the role of this variant in disease. Therefore, it has been classified as a Variant of Uncertain Significance.

Gharavi Laboratory, Columbia University
Classification: Uncertain significance. Last evaluated: 2018-09-16. Review status: no assertion criteria provided. Criteria: ACMG Guidelines, 2015. Collection method: research. Allele origin: germline. Affected: yes. Not counted in ClinVar's aggregate classification.

NM_000548.5(TSC2):c.3137C>T (p.Pro1046Leu)

Gene: TSC2 (TSC complex subunit 2; plus strand). Cytogenetic location: 16p13.3.
Variant type: single nucleotide variant.
Coding change: c.3137C>T on transcript NM_000548.5 (MANE Select); coding-DNA position 3137, C replaced by T.
Protein change: p.Pro1046Leu; replaces proline 1046 with leucine.
Molecular consequence: missense variant.
Genome position (GRCh38, 1-based): chr16:2,079,281, C>T. VCF-style: chr16-2079281-C-T. GRCh37 (hg19) VCF-style: chr16-2129282-C-T.
Other names: c.3005C>T, p.Pro1002Leu (NM_001077183.3, NM_001370404.1); c.3137C>T, p.Pro1046Leu (NM_001114382.3); c.2897C>T, p.Pro966Leu (NM_001318827.2); c.2861C>T, p.Pro954Leu (NM_001318829.2); c.2405C>T, p.Pro802Leu (NM_001318831.2); c.3038C>T, p.Pro1013Leu (NM_001318832.2); c.3008C>T, p.Pro1003Leu (NM_001363528.2, NM_001370405.1, NM_021055.3); c.3137C>T (NM_000548.3); short protein forms P1046L, P1002L, P802L, P1003L, P1013L, P954L, P966L.
Identifiers: ClinVar variation 591058 (VCV000591058.6), dbSNP rs1567497682, ClinGen allele CA394285169.